The following is an entry in ClinVar:

ClinVar aggregate classification (germline): Uncertain significance (1 of 4 stars; one submission).

Conditions:
Microcephaly, normal intelligence and immunodeficiency (NBS). Also called: SEEMANOVA SYNDROME II; IMMUNODEFICIENCY, MICROCEPHALY, AND CHROMOSOMAL INSTABILITY; Immunodeficiency, microcephaly with normal intelligence; Nijmegen breakage syndrome; Microcephaly with normal intelligence immunodeficiency and lymphoreticular malignancies; Nonsyndromal microcephaly autosomal recessive with normal intelligence. Identifiers: Orphanet 647, MedGen C0398791, MONDO:0009623, OMIM 251260.

Submission:

Labcorp Genetics (formerly Invitae), Labcorp
Classification: Uncertain significance for Microcephaly, normal intelligence and immunodeficiency. Last evaluated: 2024-10-03. Review status: criteria provided, single submitter. Criteria: Invitae Variant Classification Sherloc (09022015). Collection method: clinical testing. Allele origin: germline.
Comment: This sequence change replaces cysteine, which is neutral and slightly polar, with glycine, which is neutral and non-polar, at codon 147 of the NBN protein (p.Cys147Gly). This variant is not present in population databases (gnomAD no frequency). This variant has not been reported in the literature in individuals affected with NBN-related conditions. An algorithm developed to predict the effect of missense changes on protein structure and function (PolyPhen-2) suggests that this variant is likely to be disruptive. In summary, the available evidence is currently insufficient to determine the role of this variant in disease. Therefore, it has been classified as a Variant of Uncertain Significance.

NM_002485.5(NBN):c.439T>G (p.Cys147Gly)

Gene: NBN (nibrin; minus strand). Cytogenetic location: 8q21.3.
Variant type: single nucleotide variant.
Coding change: c.439T>G on transcript NM_002485.5 (MANE Select); coding-DNA position 439, T replaced by G.
Protein change: p.Cys147Gly; replaces cysteine 147 with glycine.
Molecular consequence: missense variant.
Genome position (GRCh38, 1-based): chr8:89,980,775, A>C on the plus strand (T>G on the coding strand, the complement: NBN is on the minus strand). VCF-style: chr8-89980775-A-C. GRCh37 (hg19) VCF-style: chr8-90993003-A-C.
Other names: c.193T>G, p.Cys65Gly (NM_001024688.3); short protein forms C147G, C65G.
Identifiers: ClinVar variation 3722109 (VCV003722109.2).